The following is an entry in ClinVar:

ClinVar aggregate classification (germline): Uncertain significance (1 of 4 stars; one submission).

gnomAD v4.1: 2 of 1,611,788 alleles (0.00012%); highest among the groups gnomAD compares: South Asian, 0.0011%; no homozygotes.

Submission:

GeneDx
Classification: Uncertain significance. Last evaluated: 2023-11-14. Review status: criteria provided, single submitter. Criteria: GeneDx Variant Classification Process June 2021. Collection method: clinical testing. Allele origin: germline. Affected: yes.
Comment: Not observed at significant frequency in large population cohorts (gnomAD); In silico analysis supports that this missense variant does not alter protein structure/function; Has not been previously published as pathogenic or benign to our knowledge

NM_145886.4(PIDD1):c.2406C>G (p.Asp802Glu)

Gene: PIDD1 (p53-induced death domain protein 1; minus strand). Cytogenetic location: 11p15.5.
Variant type: single nucleotide variant.
Coding change: c.2406C>G on transcript NM_145886.4 (MANE Select); coding-DNA position 2406, C replaced by G.
Protein change: p.Asp802Glu; replaces aspartic acid 802 with glutamic acid.
Molecular consequence: missense variant.
Genome position (GRCh38, 1-based): chr11:799,883, G>C on the plus strand (C>G on the coding strand, the complement: PIDD1 is on the minus strand). VCF-style: chr11-799883-G-C. GRCh37 (hg19) VCF-style: chr11-799883-G-C.
Other names: c.2355C>G, p.Asp785Glu (NM_145887.4); short protein forms D785E, D802E.
Identifiers: ClinVar variation 3364299 (VCV003364299.1).
Genomic context (GRCh38, chr11:799,883, plus strand): 5'-GTGCCGGATGCGCTGCACCTCCCGGTAGGACACCCCCAGGTGCAGGGCCACGGCTGGCCA[G>C]TCCAGACCCAGACGCCCAGCCACACTCAGCAGGTTGCTCTGCGTCAGAAAGCCGGTCTCG-3'
Protein context (NP_665893.2, residues 792-812): LLSVAGRLGL[Asp802Glu]WPAVALHLGV